The following is an entry in ClinVar:

NM_007194.4(CHEK2):c.1271dup (p.Tyr424Ter)

Gene: CHEK2 (checkpoint kinase 2; minus strand). Cytogenetic location: 22q12.1.
Variant type: Duplication.
Coding change: c.1271dup on transcript NM_007194.4 (MANE Select); coding-DNA position 1271, one base duplicated (A; older notation c.1271dupA).
Protein change: p.Tyr424Ter; replaces tyrosine 424 with a stop codon.
Molecular consequence: nonsense. On other transcripts: frameshift variant (4).
Genome position (GRCh38, 1-based): chr22:28,695,231, T duplicated on the plus strand (A on the coding strand, the reverse complement: CHEK2 is on the minus strand). VCF-style (leftmost placement, unchanged base first): chr22-28695230-A-AT. GRCh37 (hg19) VCF-style: chr22-29091218-A-AT.
Other names: c.1400dup, p.Tyr467Terfs (NM_001005735.3); c.608dup, p.Tyr203Terfs (NM_001257387.3); c.1070dup, p.Tyr357Terfs (NM_001349956.3); c.1184dup, p.Tyr395Terfs (NM_145862.3); short protein forms Y203*, Y357*, Y395*, Y424*, Y467*.
Identifiers: ClinVar variation 2583333 (VCV002583333.2), dbSNP rs2517798366, ClinGen allele CA2582342776.

ClinVar aggregate classification (germline): Pathogenic (1 of 4 stars; one submission).

Conditions:
Familial cancer of breast. Also called: Hereditary breast cancer; BREAST CANCER, FAMILIAL; hereditary breast carcinoma. Identifiers: Orphanet 227535, MedGen C0346153, MONDO:0016419, OMIM 114480. Disease mechanism: loss of function.

Submission:

Myriad Genetics, Inc.
Classification: Pathogenic for Familial cancer of breast. Last evaluated: 2023-06-28. Review status: criteria provided, single submitter. Criteria: Myriad Autosomal Dominant, Autosomal Recessive and X-Linked Classification Criteria (2023). Collection method: clinical testing. Allele origin: unknown.
Comment: This variant is considered pathogenic. This variant creates a termination codon and is predicted to result in premature protein truncation.